The following is an entry in ClinVar:

NM_004525.3(LRP2):c.13932C>G (p.Asp4644Glu)

Gene: LRP2 (LDL receptor related protein 2; minus strand). Cytogenetic location: 2q31.1.
Variant type: single nucleotide variant.
Coding change: c.13932C>G on transcript NM_004525.3 (MANE Select); coding-DNA position 13932, C replaced by G.
Protein change: p.Asp4644Glu; replaces aspartic acid 4644 with glutamic acid.
Molecular consequence: missense variant.
Genome position (GRCh38, 1-based): chr2:169,128,699, G>C on the plus strand (C>G on the coding strand, the complement: LRP2 is on the minus strand). VCF-style: chr2-169128699-G-C. GRCh37 (hg19) VCF-style: chr2-169985209-G-C.
Other names: short protein forms D4644E.
Identifiers: ClinVar variation 2194383 (VCV002194383.4), dbSNP rs1245816974, ClinGen allele CA349147688.
Genomic context (GRCh38, chr2:169,128,699, plus strand): 5'-TTATTCCCTAAATAGCTGGTATAGCTATACTTCAGAGTCTTCTTTAACAAGATTTGCGGT[G>C]TCTTTAAAAGTGTCTTCTGTTGCAGAATAGGTTGGAGTTGGGTCTCTTCTCGAAGGAGGC-3'
Protein context (NP_004516.2, residues 4634-4654): TYSATEDTFK[Asp4644Glu]TANLVKEDSE

ClinVar aggregate classification (germline): Uncertain significance (1 of 4 stars; one submission).

Allele frequency attached by ClinVar (database versions not stated): gnomAD exomes below 0.00001; TOPMed 0.00001.
gnomAD v4.1: 1 of 1,614,122 alleles (0.000062%); highest among the groups gnomAD compares: Non-Finnish European, 0.000085%; no homozygotes.

Submission:

Labcorp Genetics (formerly Invitae), Labcorp
Classification: Uncertain significance. Last evaluated: 2022-07-25. Review status: criteria provided, single submitter. Criteria: Invitae Variant Classification Sherloc (09022015). Collection method: clinical testing. Allele origin: germline.
Comment: In summary, the available evidence is currently insufficient to determine the role of this variant in disease. Therefore, it has been classified as a Variant of Uncertain Significance. Advanced modeling of protein sequence and biophysical properties (such as structural, functional, and spatial information, amino acid conservation, physicochemical variation, residue mobility, and thermodynamic stability) performed at Invitae indicates that this missense variant is not expected to disrupt LRP2 protein function. This variant has not been reported in the literature in individuals affected with LRP2-related conditions. This variant is not present in population databases (gnomAD no frequency). This sequence change replaces aspartic acid, which is acidic and polar, with glutamic acid, which is acidic and polar, at codon 4644 of the LRP2 protein (p.Asp4644Glu).